The following is an entry in ClinVar:

NM_022552.5(DNMT3A):c.2597+3A>G

Gene: DNMT3A (DNA methyltransferase 3 alpha; minus strand). Cytogenetic location: 2p23.3.
Variant type: single nucleotide variant.
Coding change: c.2597+3A>G on transcript NM_022552.5 (MANE Select); 3 bases into the intron after coding-DNA position 2597, A replaced by G.
Molecular consequence: intron variant.
Genome position (GRCh38, 1-based): chr2:25,235,704, T>C on the plus strand (A>G on the coding strand, the complement: DNMT3A is on the minus strand). VCF-style: chr2-25235704-T-C. GRCh37 (hg19) VCF-style: chr2-25458573-T-C.
Other names: c.2597+3A>G (NM_175629.2); c.2030+3A>G (NM_153759.3); c.2141+3A>G (NM_001320893.1); c.1928+3A>G (NM_001375819.1).
Identifiers: ClinVar variation 1486412 (VCV001486412.6), dbSNP rs1302882446, ClinGen allele CA767170409.

ClinVar aggregate classification (germline): Uncertain significance (1 of 4 stars; one submission).

Conditions:
Tatton-Brown-Rahman overgrowth syndrome. Also called: Tatton-Brown-Rahman syndrome; Tall stature-intellectual disability-facial dysmorphism syndrome. Identifiers: Orphanet 404443, MedGen C4014545, MONDO:0014382, OMIM 615879.

Allele frequency attached by ClinVar (database versions not stated): TOPMed below 0.00001.

Submission:

Labcorp Genetics (formerly Invitae), Labcorp
Classification: Uncertain significance for Tatton-Brown-Rahman overgrowth syndrome. Last evaluated: 2022-01-15. Review status: criteria provided, single submitter. Criteria: Invitae Variant Classification Sherloc (09022015). Collection method: clinical testing. Allele origin: germline.
Comment: This variant is not present in population databases (gnomAD no frequency). This sequence change falls in intron 22 of the DNMT3A gene. It does not directly change the encoded amino acid sequence of the DNMT3A protein. It affects a nucleotide within the consensus splice site. In summary, the available evidence is currently insufficient to determine the role of this variant in disease. Therefore, it has been classified as a Variant of Uncertain Significance. Variants that disrupt the consensus splice site are a relatively common cause of aberrant splicing (PMID: 17576681, 9536098). Algorithms developed to predict the effect of sequence changes on RNA splicing suggest that this variant may disrupt the consensus splice site. This variant has not been reported in the literature in individuals affected with DNMT3A-related conditions.

Literature cited by the submitters: PubMed 17576681; PubMed 9536098.